The following is an entry in ClinVar:

NM_024422.6(DSC2):c.2446G>A (p.Val816Met)

Gene: DSC2 (desmocollin 2; minus strand). Cytogenetic location: 18q12.1.
Variant type: single nucleotide variant.
Coding change: c.2446G>A on transcript NM_024422.6 (MANE Select); coding-DNA position 2446, G replaced by A.
Protein change: p.Val816Met; replaces valine 816 with methionine.
Molecular consequence: missense variant.
Genome position (GRCh38, 1-based): chr18:31,068,956, C>T on the plus strand (G>A on the coding strand, the complement: DSC2 is on the minus strand). VCF-style: chr18-31068956-C-T. GRCh37 (hg19) VCF-style: chr18-28648922-C-T.
Other names: c.2446G>A, p.Val816Met (NM_004949.5); short protein forms V816M.
Identifiers: ClinVar variation 46181 (VCV000046181.24), dbSNP rs377700521, ClinGen allele CA022732.

ClinVar aggregate classification (germline): Conflicting classifications of pathogenicity. Review status: criteria provided, conflicting classifications (1 of 4 stars). 8 submissions from 8 submitters: Uncertain significance (5); Likely benign (2). 1 of the submissions does not count toward it. Last evaluated 2025-11-03.

Conditions:
DSC2-related disorder. Also called: DSC2-related condition.
Cardiovascular phenotype. Identifiers: MedGen CN230736.
Familial isolated arrhythmogenic right ventricular dysplasia. Identifiers: Orphanet 217656, MedGen C4274968, MONDO:0016342.
Cardiomyopathy (CMYO). Also called: Cardiomyopathies. Identifiers: Orphanet 167848, MedGen C0878544, MONDO:0004994, HP:0001638. Inheritance: Various modes of inheritance.
Arrhythmogenic right ventricular dysplasia 11. Also called: ARRHYTHMOGENIC RIGHT VENTRICULAR DYSPLASIA, FAMILIAL, 11; Arrhythmogenic right ventricular dysplasia 11 with mild palmoplantar keratoderma and woolly hair; Arrhythmogenic Right Ventricular Dysplasia/Cardiomyopathy11. Identifiers: MedGen C1864850, MONDO:0012506, OMIM 610476.

Allele frequency attached by ClinVar (database versions not stated): gnomAD 0.00001; gnomAD exomes 0.00001; ExAC 0.00002; TOPMed 0.00002.
gnomAD v4.1: 21 of 1,614,080 alleles (0.0013%); highest among the groups gnomAD compares: Middle Eastern, 0.017%; no homozygotes.

Submissions (8):

Ambry Genetics
Classification: Likely benign for Cardiovascular phenotype. Last evaluated: 2025-11-03. Review status: criteria provided, single submitter. Criteria: Ambry Variant Classification Scheme 2023. Collection method: clinical testing. Allele origin: germline.

Color Diagnostics, LLC DBA Color Health
Classification: Likely benign for Cardiomyopathy. Last evaluated: 2025-03-28. Review status: criteria provided, single submitter. Criteria: ACMG Guidelines, 2015. Collection method: clinical testing. Allele origin: germline.

Labcorp Genetics (formerly Invitae), Labcorp
Classification: Uncertain significance for Arrhythmogenic right ventricular dysplasia 11. Last evaluated: 2025-03-10. Review status: criteria provided, single submitter. Criteria: Invitae Variant Classification Sherloc (09022015). Collection method: clinical testing. Allele origin: germline.
Comment: This sequence change replaces valine, which is neutral and non-polar, with methionine, which is neutral and non-polar, at codon 816 of the DSC2 protein (p.Val816Met). This variant is present in population databases (rs377700521, gnomAD 0.0009%). This missense change has been observed in individual(s) with dilated cardiomyopathy or arrhythmia (PMID: 27532257, 31484862). ClinVar contains an entry for this variant (Variation ID: 46181). Invitae Evidence Modeling of protein sequence and biophysical properties (such as structural, functional, and spatial information, amino acid conservation, physicochemical variation, residue mobility, and thermodynamic stability) indicates that this missense variant is not expected to disrupt DSC2 protein function with a negative predictive value of 80%. In summary, the available evidence is currently insufficient to determine the role of this variant in disease. Therefore, it has been classified as a Variant of Uncertain Significance.

All of Us Research Program, National Institutes of Health
Classification: Uncertain significance for Familial isolated arrhythmogenic right ventricular dysplasia. Last evaluated: 2024-08-06. Review status: criteria provided, single submitter. Criteria: ACMG Guidelines, 2015. Collection method: clinical testing. Allele origin: germline. Inheritance: Autosomal dominant inheritance. Observed: 2 variant alleles, 2 heterozygotes.
Comment: This study involves interpretation of variants in research participants for the purpose of population health screening. Participant phenotype was not available at the time of variant classification. Additional details can be found in publication PMID: 35346344, PMCID: PMC8962531

Women's Health and Genetics/Laboratory Corporation of America, LabCorp
Classification: Uncertain significance. Last evaluated: 2024-05-28. Review status: criteria provided, single submitter. Criteria: LabCorp Variant Classification Summary - May 2015. Collection method: clinical testing. Allele origin: germline.
Comment: Variant summary: DSC2 c.2446G>A (p.Val816Met) results in a conservative amino acid change in the encoded protein sequence. Five of five in-silico tools predict a benign effect of the variant on protein function. The variant allele was found at a frequency of 8e-06 in 251206 control chromosomes (gnomAD). The available data on variant occurrences in the general population are insufficient to allow any conclusion about variant significance. c.2446G>A has been reported in the literature in individuals affected with dilated cardiomyopathy or malignant arrhythmia without strong evidence of causality (e.g. Walsh_2017, Chen_2019, Mazzarotto_2020). These reports do not provide unequivocal conclusions about association of the variant with Cardiomyopathy. To our knowledge, no experimental evidence demonstrating an impact on protein function has been reported. The following publications have been ascertained in the context of this evaluation (PMID: 27532257, 31484862, 31983221). ClinVar contains an entry for this variant (Variation ID: 46181). Based on the evidence outlined above, the variant was classified as uncertain significance.

Illumina Laboratory Services, Illumina
Classification: Uncertain significance for Arrhythmogenic right ventricular dysplasia 11. Last evaluated: 2018-01-12. Review status: criteria provided, single submitter. Criteria: ICSL Variant Classification Criteria 13 December 2019. Collection method: clinical testing. Allele origin: germline.

Laboratory for Molecular Medicine, Mass General Brigham Personalized Medicine
Classification: Uncertain significance. Last evaluated: 2012-04-11. Review status: criteria provided, single submitter. Criteria: LMM Criteria. Collection method: clinical testing. Allele origin: germline. Observed: 1 variant allele.
Comment: Variant classified as Uncertain Significance - Favor Benign. The Val816Met varia nt (DSC2) has not been reported in the literature nor previously identified by o ur laboratory. Computational analyses (biochemical amino acid properties, conser vation, AlignGVGD, PolyPhen2, and SIFT) suggest that the Val816Met variant may n ot impact the protein, though this information is not predictive enough to rule out pathogenicity. Additional studies are needed to fully assess its clinical si gnificance.

PreventionGenetics, part of Exact Sciences
Classification: Uncertain significance for DSC2-related condition. Last evaluated: 2023-11-11. Review status: no assertion criteria provided. Collection method: clinical testing. Allele origin: germline. Not counted in ClinVar's aggregate classification.
Comment: The DSC2 c.2446G>A variant is predicted to result in the amino acid substitution p.Val816Met. This variant was reported in individuals with dilated cardiomyopathy (Table S1B, Walsh et al. 2017. PubMed ID: 27532257; Table S3, Mazzarotto et al. 2020. PubMed ID: 31983221). This variant is reported in 0.00088% of alleles in individuals of European (Non-Finnish) descent in gnomAD. At this time, the clinical significance of this variant is uncertain due to the absence of conclusive functional and genetic evidence.

Literature cited by the submitters: PubMed 27532257 (cited by 3 submitters); PubMed 31484862 (cited by 3 submitters); PubMed 31983221 (cited by Women's Health and Genetics/Laboratory Corporation of America, LabCorp).